The following is an entry in ClinVar:

NM_018993.4(RIN2):c.924A>C (p.Pro308=)

Gene: RIN2 (Ras and Rab interactor 2; plus strand). Cytogenetic location: 20p11.23.
Variant type: single nucleotide variant.
Coding change: c.924A>C on transcript NM_018993.4 (MANE Select); coding-DNA position 924, A replaced by C.
Protein change: p.Pro308=; no amino-acid change (proline 308 retained).
Molecular consequence: synonymous variant.
Genome position (GRCh38, 1-based): chr20:19,974,949, A>C. VCF-style: chr20-19974949-A-C. GRCh37 (hg19) VCF-style: chr20-19955593-A-C.
Other names: c.1071A>C, p.Pro357= (NM_001242581.2); c.306A>C, p.Pro102= (NM_001378238.1).
Identifiers: ClinVar variation 695293 (VCV000695293.7), dbSNP rs1348842250, ClinGen allele CA510156863.
Genomic context (GRCh38, chr20:19,974,949, plus strand): 5'-GAAACGGCCGAGCACAAGGACTCCCAACGCGAATGGCACGGAGCGGACTCGGTCCCCCCC[A>C]CCCAGGCCCCCGCCACCCGCTATTAATAGTCTCCACACAAGCCCTCGGCTGGCCAGGACT-3'
Protein context (NP_061866.1, residues 298-318): ANGTERTRSP[Pro308=]PRPPPPAINS

ClinVar aggregate classification (germline): Likely benign. Review status: criteria provided, multiple submitters, no conflicts (2 of 4 stars). 3 submissions from 3 submitters: Likely benign (2). 1 of the submissions does not count toward it. Last evaluated 2019-12-31.

Conditions:
RIN2-related disorder. Also called: RIN2-related condition.

Submissions (3):

Labcorp Genetics (formerly Invitae), Labcorp
Classification: Likely benign. Last evaluated: 2019-12-31. Review status: criteria provided, single submitter. Criteria: Invitae Variant Classification Sherloc (09022015). Collection method: clinical testing. Allele origin: germline.

Breakthrough Genomics
Classification: Likely benign. Review status: criteria provided, single submitter. Criteria: ACMG Guidelines, 2015. Collection method: not provided. Allele origin: germline. Inheritance: Autosomal recessive inheritance. Affected: yes.

PreventionGenetics, part of Exact Sciences
Classification: Benign for RIN2-related condition. Last evaluated: 2019-09-18. Review status: no assertion criteria provided. Collection method: clinical testing. Allele origin: germline. Not counted in ClinVar's aggregate classification.
Comment: This variant is classified as benign based on ACMG/AMP sequence variant interpretation guidelines (Richards et al. 2015 PMID: 25741868, with internal and published modifications).